The following is an entry in ClinVar:

ClinVar aggregate classification (germline): Pathogenic. Review status: reviewed by expert panel (3 of 4 stars). 12 submissions from 12 submitters: Pathogenic (1). 11 of the submissions do not count toward it. Last evaluated 2016-09-08.

Conditions:
Hereditary cancer-predisposing syndrome. Also called: Tumor predisposition; Neoplastic Syndromes, Hereditary; Hereditary Cancer Syndrome; Hereditary neoplastic syndrome. Identifiers: Orphanet 140162, MedGen C0027672, MeSH D009386, MONDO:0015356.
Hereditary breast ovarian cancer syndrome. Also called: Hereditary breast and ovarian cancer syndrome (HBOC); Hereditary breast and ovarian cancer syndrome; Hereditary breast and ovarian cancer; Hereditary breast and/or ovarian cancer syndrome; Breast and ovarian cancer; BRCA1- and BRCA2-Associated Hereditary Breast and Ovarian Cancer. Identifiers: Orphanet 145, MedGen C0677776, MeSH D061325, MONDO:0003582. Disease mechanism: loss of function.
Breast-ovarian cancer, familial, susceptibility to, 1 (BROVCA1). Also called: OVARIAN CANCER, SUSCEPTIBILITY TO; BRCA1 Hereditary Breast and Ovarian Cancer. Identifiers: Orphanet 145, MedGen C2676676, MONDO:0011450, OMIM 604370. Disease mechanism: loss of function.

Submissions (12):

Evidence-based Network for the Interpretation of Germline Mutant Alleles (ENIGMA)
Classification: Pathogenic for Breast-ovarian cancer, familial, susceptibility to, 1. Last evaluated: 2016-09-08. Review status: reviewed by expert panel. Criteria: ENIGMA BRCA1/2 Classification Criteria (2015). Collection method: curation. Allele origin: germline.
Comment: Variant allele predicted to encode a truncated non-functional protein.

Dasa
Classification: Pathogenic for Breast-ovarian cancer, familial, susceptibility to, 1. Last evaluated: 2026-02-25. Review status: criteria provided, single submitter. Criteria: DASA Assertion Criteria. Collection method: clinical testing. Allele origin: germline. Not counted in ClinVar's aggregate classification.
Comment: NM_007294.4(BRCA1):c.2761C>T (p.Gln921*) introduces a premature termination codon predicted to result in loss of normal protein function. Loss-of-function is an established mechanism of disease for this gene. The affected residue or protein region has prior evidence supporting clinical relevance. The variant is present at low frequency in population datasets. Based on the available data, this variant is classified as pathogenic.

Labcorp Genetics (formerly Invitae), Labcorp
Classification: Pathogenic for Hereditary breast ovarian cancer syndrome. Last evaluated: 2025-07-30. Review status: criteria provided, single submitter. Criteria: Invitae Variant Classification Sherloc (09022015). Collection method: clinical testing. Allele origin: germline. Not counted in ClinVar's aggregate classification.
Comment: This sequence change creates a premature translational stop signal (p.Gln921*) in the BRCA1 gene. It is expected to result in an absent or disrupted protein product. Loss-of-function variants in BRCA1 are known to be pathogenic (PMID: 20104584). This variant is not present in population databases (gnomAD no frequency). This premature translational stop signal has been observed in individual(s) with ovarian cancer (PMID: 20104584). ClinVar contains an entry for this variant (Variation ID: 54673). For these reasons, this variant has been classified as Pathogenic.

GeneDx
Classification: Pathogenic. Last evaluated: 2023-02-28. Review status: criteria provided, single submitter. Criteria: GeneDx Variant Classification Process June 2021. Collection method: clinical testing. Allele origin: germline. Affected: yes. Not counted in ClinVar's aggregate classification.
Comment: Truncating variants in this gene are considered pathogenic by a well-established clinical consortium and/or database; Reported in association with hereditary breast and/or ovarian cancer (Phelan et al., 2002; Cunningham et al., 2014; Rebbeck et al., 2018); Nonsense variant predicted to result in protein truncation or nonsense mediated decay in a gene for which loss-of-function is a known mechanism of disease; Not observed at significant frequency in large population cohorts (gnomAD); Also known as 2880C>T; This variant is associated with the following publications: (PMID: 25525159, 29446198, 11896095, 31159747, 32377563, 21702907, 24504028, 20858050, 12402332, 31853058, 34290354, 20104584, 35165121)

Department of Molecular Diagnostics, Institute of Oncology Ljubljana
Classification: Pathogenic for Breast-ovarian cancer, familial, susceptibility to, 1. Last evaluated: 2020-04-02. Review status: criteria provided, single submitter. Criteria: ACMG Guidelines, 2015. Collection method: clinical testing. Allele origin: germline. Affected: yes. Not counted in ClinVar's aggregate classification.

Color Diagnostics, LLC DBA Color Health
Classification: Pathogenic for Hereditary cancer-predisposing syndrome. Last evaluated: 2020-01-15. Review status: criteria provided, single submitter. Criteria: ACMG Guidelines, 2015. Collection method: clinical testing. Allele origin: germline. Not counted in ClinVar's aggregate classification.
Comment: This variant changes 1 nucleotide in exon 10 of the BRCA1 gene, creating a premature translation stop signal. This variant is expected to result in an absent or non-functional protein product. This variant has not been identified in the general population by the Genome Aggregation Database (gnomAD). Loss of BRCA1 function is a known mechanism of disease. Based on the available evidence, this variant is classified as Pathogenic.

GeneKor MSA
Classification: Pathogenic for Breast-ovarian cancer, familial 1. Last evaluated: 2020-01-01. Review status: criteria provided, single submitter. Criteria: ACMG Guidelines, 2015. Collection method: clinical testing. Allele origin: germline. Affected: yes. Not counted in ClinVar's aggregate classification.
Comment: This sequence change creates a premature translational stop signal at codon 921 of the BRCA1 protein. It is expected to result in an absent or disrupted protein product. Truncating variants in BRCA1 are known to be pathogenic. This particular variant has been described in the mutation database ClinVar (Variation ID: 54673).

Ambry Genetics
Classification: Pathogenic for Hereditary cancer-predisposing syndrome. Last evaluated: 2018-11-30. Review status: criteria provided, single submitter. Criteria: Ambry Variant Classification Scheme 2023. Collection method: clinical testing. Allele origin: germline. Not counted in ClinVar's aggregate classification.
Comment: The p.Q921* pathogenic mutation (also known as c.2761C>T), located in coding exon 9 of the BRCA1 gene, results from a C to T substitution at nucleotide position 2761. This changes the amino acid from a glutamine to a stop codon within coding exon 9. This alteration was identified in a patient with ovarian cancer (Cunningham JM et al. Sci Rep, 2014 Feb;4:4026). In addition to the clinical data presented in the literature, this alteration is expected to result in loss of function by premature protein truncation or nonsense-mediated mRNA decay. As such, this alteration is interpreted as a disease-causing mutation.

Consortium of Investigators of Modifiers of BRCA1/2 (CIMBA), c/o University of Cambridge
Classification: Pathogenic for Breast-ovarian cancer, familial, susceptibility to, 1. Last evaluated: 2015-10-02. Review status: criteria provided, single submitter. Criteria: CIMBA Mutation Classification guidelines May 2016. Collection method: clinical testing. Allele origin: germline. Not counted in ClinVar's aggregate classification.

Genesis Genomics
Classification: Pathogenic for Breast-ovarian cancer, familial, susceptibility to, 1. Review status: criteria provided, single submitter. Criteria: ACMG Guidelines, 2015. Collection method: clinical testing. Allele origin: germline. Affected: no and yes. Observed: 2 variant alleles. Not counted in ClinVar's aggregate classification.

Research Molecular Genetics Laboratory, Women's College Hospital, University of Toronto
Classification: Pathogenic for Hereditary breast ovarian cancer syndrome. Last evaluated: 2014-01-31. Review status: no assertion criteria provided. Collection method: research. Allele origin: germline. Affected: yes. Study: The Canadian Open Genetics Repository (COGR). Not counted in ClinVar's aggregate classification.

Breast Cancer Information Core (BIC) (BRCA1)
Classification: Pathogenic for Breast-ovarian cancer, familial 1. Last evaluated: 2002-05-29. Review status: no assertion criteria provided. Collection method: clinical testing. Allele origin: germline. Affected: yes. Observed: 2 variant alleles. Not counted in ClinVar's aggregate classification.

Literature cited by the submitters: PubMed 20104584 (cited by Labcorp Genetics (formerly Invitae), Labcorp); PubMed 20858050 (cited by Ambry Genetics); PubMed 21702907 (cited by Ambry Genetics); PubMed 24504028 (cited by Ambry Genetics).

NM_007294.4(BRCA1):c.2761C>T (p.Gln921Ter)

Gene: BRCA1 (BRCA1 DNA repair associated; minus strand). Cytogenetic location: 17q21.31.
Variant type: single nucleotide variant.
Coding change: c.2761C>T on transcript NM_007294.4 (MANE Select); coding-DNA position 2761, C replaced by T.
Protein change: p.Gln921Ter; replaces glutamine 921 with a stop codon.
Molecular consequence: nonsense. On other transcripts: intron variant (137).
Genome position (GRCh38, 1-based): chr17:43,092,770, G>A on the plus strand (C>T on the coding strand, the complement: BRCA1 is on the minus strand). VCF-style: chr17-43092770-G-A. GRCh37 (hg19) VCF-style: chr17-41244787-G-A.
Other names: c.2548C>T, p.Gln850Ter (NM_001407571.1, NM_001407853.1, NM_001407894.1 and 9 more transcripts); c.2761C>T, p.Gln921Ter (NM_001407581.1, NM_001407582.1, NM_001407583.1 and 30 more transcripts); c.2758C>T, p.Gln920Ter (NM_001407587.1, NM_001407590.1, NM_001407591.1 and 22 more transcripts); c.2752C>T, p.Gln918Ter (NM_001407646.1, NM_001407647.1); c.2638C>T, p.Gln880Ter (NM_001407648.1, NM_001407664.1, NM_001407665.1 and 19 more transcripts); c.2635C>T, p.Gln879Ter (NM_001407649.1, NM_001407670.1, NM_001407671.1 and 11 more transcripts); c.2683C>T, p.Gln895Ter (NM_001407653.1, NM_001407654.1, NM_001407655.1 and 4 more transcripts); c.2680C>T, p.Gln894Ter (NM_001407659.1, NM_001407660.1, NM_001407661.1 and 1 more transcripts); and 41 more; short protein forms Q921*, Q874*, Q810*, Q854*, Q873*, Q880*, Q753*, Q809*.
Identifiers: ClinVar variation 54673 (VCV000054673.27), dbSNP rs80357377, ClinGen allele CA001817.